The following is an entry in ClinVar:

ClinVar aggregate classification (germline): Uncertain significance (1 of 4 stars; one submission).

gnomAD v4.1: 2 of 1,209,330 alleles (0.00017%); highest among the groups gnomAD compares: Non-Finnish European, 0.00022%; no homozygotes.

Submission:

Mayo Clinic Laboratories, Mayo Clinic
Classification: Uncertain significance. Last evaluated: 2025-10-20. Review status: criteria provided, single submitter. Criteria: ACMG Guidelines, 2015. Collection method: clinical testing. Allele origin: germline. Observed: 1 variant allele.
Comment: PP3_moderate, PM2_supporting

NM_000052.7(ATP7A):c.2127G>C (p.Leu709Phe)

Gene: ATP7A (ATPase copper transporting alpha; plus strand). Cytogenetic location: Xq21.1.
Variant type: single nucleotide variant.
Coding change: c.2127G>C on transcript NM_000052.7 (MANE Select); coding-DNA position 2127, G replaced by C.
Protein change: p.Leu709Phe; replaces leucine 709 with phenylalanine.
Molecular consequence: missense variant.
Genome position (GRCh38, 1-based): chrX:78,011,629, G>C. VCF-style: chrX-78011629-G-C. GRCh37 (hg19) VCF-style: chrX-77267126-G-C.
Other names: p.Leu709Phe; c.2127G>C, p.Leu709Phe (NM_001282224.2); short protein forms L709F.
Identifiers: ClinVar variation 4542490 (VCV004542490.1).